The following is an entry in ClinVar:

NM_020297.4(ABCC9):c.1455T>A (p.Leu485=)

Gene: ABCC9 (ATP binding cassette subfamily C member 9; minus strand). Cytogenetic location: 12p12.1.
Variant type: single nucleotide variant.
Coding change: c.1455T>A on transcript NM_020297.4 (MANE Select); coding-DNA position 1455, T replaced by A.
Protein change: p.Leu485=; no amino-acid change (leucine 485 retained).
Molecular consequence: synonymous variant.
Genome position (GRCh38, 1-based): chr12:21,908,077, A>T on the plus strand (T>A on the coding strand, the complement: ABCC9 is on the minus strand). VCF-style: chr12-21908077-A-T. GRCh37 (hg19) VCF-style: chr12-22061011-A-T.
Other names: c.1455T>A, p.Leu485= (NM_001377273.1, NM_005691.4); c.591T>A, p.Leu197= (NM_001377274.1).
Identifiers: ClinVar variation 1412433 (VCV001412433.6), dbSNP rs1057523907, ClinGen allele CA478880922.
Genomic context (GRCh38, chr12:21,908,077, plus strand): 5'-TATAAAATTAAAACAGCATTTCTCATTTTTGTAATTAAGTTTCCAAAAGATGTTACTTAC[A>T]AGTGTACTTTTCTGAGCCTCTGCCAACTTTGTAGCAATAAAGTACTGAATTGGCGCAAGG-3'
Protein context (NP_064693.2, residues 475-495): TKLAEAQKST[Leu485=]DYSTERLKKT

ClinVar aggregate classification (germline): Uncertain significance (1 of 4 stars; one submission).

Conditions:
Dilated cardiomyopathy 1O (CMD1O). Also called: CARDIOMYOPATHY, DILATED, WITH VENTRICULAR TACHYCARDIA. Identifiers: Orphanet 154, MedGen C1837839, MONDO:0012062, OMIM 608569.

Submission:

Labcorp Genetics (formerly Invitae), Labcorp
Classification: Uncertain significance for Dilated cardiomyopathy 1O. Last evaluated: 2021-11-05. Review status: criteria provided, single submitter. Criteria: Invitae Variant Classification Sherloc (09022015). Collection method: clinical testing. Allele origin: germline.
Comment: Algorithms developed to predict the effect of sequence changes on RNA splicing suggest that this variant is not likely to affect RNA splicing. In summary, the available evidence is currently insufficient to determine the role of this variant in disease. Therefore, it has been classified as a Variant of Uncertain Significance. This variant has not been reported in the literature in individuals affected with ABCC9-related conditions. This variant is not present in population databases (gnomAD no frequency). This sequence change affects codon 485 of the ABCC9 mRNA. It is a 'silent' change, meaning that it does not change the encoded amino acid sequence of the ABCC9 protein. It affects a nucleotide within the consensus splice site.